The following is an entry in ClinVar:

ClinVar aggregate classification (germline): Pathogenic (1 of 4 stars; one submission).

Submission:

Labcorp Genetics (formerly Invitae), Labcorp
Classification: Pathogenic. Last evaluated: 2023-10-04. Review status: criteria provided, single submitter. Criteria: Invitae Variant Classification Sherloc (09022015). Collection method: clinical testing. Allele origin: germline.
Comment: This sequence change creates a premature translational stop signal (p.Gln1249Lysfs*11) in the PCDH15 gene. It is expected to result in an absent or disrupted protein product. Loss-of-function variants in PCDH15 are known to be pathogenic (PMID: 11398101, 11487575, 14570705). This variant is not present in population databases (gnomAD no frequency). This variant has not been reported in the literature in individuals affected with PCDH15-related conditions. For these reasons, this variant has been classified as Pathogenic.

Literature cited by the submitters: PubMed 11398101; PubMed 11487575; PubMed 14570705.

NM_001384140.1(PCDH15):c.3745del (p.Gln1249fs)

Gene: PCDH15 (protocadherin related 15; minus strand). Cytogenetic location: 10q21.1.
Variant type: Deletion.
Coding change: c.3745del on transcript NM_001384140.1 (MANE Select); coding-DNA position 3745, one base deleted (C; older notation c.3745delC).
Protein change: p.Gln1249fs; shifts the reading frame from glutamine 1249.
Molecular consequence: frameshift variant.
Genome position (GRCh38, 1-based): chr10:53,857,236, G deleted on the plus strand (C on the coding strand, the reverse complement: PCDH15 is on the minus strand). VCF-style (leftmost placement, unchanged base first): chr10-53857235-TG-T. GRCh37 (hg19) VCF-style: chr10-55616995-TG-T.
Other names: c.3760del, p.Gln1254fs (NM_001142763.2, NM_001142771.2); c.3745del, p.Gln1249fs (NM_001142764.2, NM_001142766.2, NM_001142770.3 and 4 more transcripts); c.3532del, p.Gln1178fs (NM_001142765.2); c.3634del, p.Gln1212fs (NM_001142767.2); c.3679del, p.Gln1227fs (NM_001142768.2, NM_001142773.2, NM_001354404.2); c.3781delC, p.Gln1261Lysfs (NM_001142769.4); c.3766del, p.Gln1256fs (NM_001354411.2); short protein forms Q1249fs, Q1212fs, Q1261fs, Q1178fs, Q1227fs, Q1256fs, Q1254fs.
Identifiers: ClinVar variation 2765549 (VCV002765549.3), dbSNP rs2493176566, ClinGen allele CA2697558366.